The following is an entry in ClinVar:

ClinVar aggregate classification (germline): Benign/Likely benign. Review status: criteria provided, multiple submitters, no conflicts (2 of 4 stars). 3 submissions from 3 submitters: Benign (1); Likely benign (1). 1 of the submissions does not count toward it. Last evaluated 2026-01-22.

Conditions:
THOC2-related disorder. Also called: THOC2-related condition.

Allele frequency attached by ClinVar (database versions not stated): ESP Exome Variant Server 0.00021.
gnomAD v4.1: 192 of 1,204,106 alleles (0.016%); highest among the groups gnomAD compares: Middle Eastern, 0.046%; no homozygotes.

Submissions (3):

Labcorp Genetics (formerly Invitae), Labcorp
Classification: Benign. Last evaluated: 2026-01-22. Review status: criteria provided, single submitter. Criteria: Invitae Variant Classification Sherloc (09022015). Collection method: clinical testing. Allele origin: germline.

CeGaT Center for Human Genetics Tuebingen
Classification: Likely benign. Last evaluated: 2024-10-01. Review status: criteria provided, single submitter. Criteria: CeGaT Center For Human Genetics Tuebingen Variant Classification Criteria Version 2. Collection method: clinical testing. Allele origin: germline. Affected: yes. Observed: 2 variant alleles.
Comment: THOC2: BP4, BS2

PreventionGenetics, part of Exact Sciences
Classification: Likely benign for THOC2-related condition. Last evaluated: 2019-08-30. Review status: no assertion criteria provided. Collection method: clinical testing. Allele origin: germline. Not counted in ClinVar's aggregate classification.
Comment: This variant is classified as likely benign based on ACMG/AMP sequence variant interpretation guidelines (Richards et al. 2015 PMID: 25741868, with internal and published modifications).

NM_001081550.2(THOC2):c.2355A>G (p.Ala785=)

Gene: THOC2 (THO complex subunit 2; minus strand). Cytogenetic location: Xq25.
Variant type: single nucleotide variant.
Coding change: c.2355A>G on transcript NM_001081550.2 (MANE Select); coding-DNA position 2355, A replaced by G.
Protein change: p.Ala785=; no amino-acid change (alanine 785 retained).
Molecular consequence: synonymous variant.
Genome position (GRCh38, 1-based): chrX:123,631,814, T>C on the plus strand (A>G on the coding strand, the complement: THOC2 is on the minus strand). VCF-style: chrX-123631814-T-C. GRCh37 (hg19) VCF-style: chrX-122765665-T-C.
Identifiers: ClinVar variation 3052347 (VCV003052347.23), dbSNP rs368394995, ClinGen allele CA10507591.